The following is an entry in ClinVar:

NM_012470.4(TNPO3):c.1028T>A (p.Phe343Tyr)

Gene: TNPO3 (transportin 3; minus strand). Cytogenetic location: 7q32.1.
Variant type: single nucleotide variant.
Coding change: c.1028T>A on transcript NM_012470.4 (MANE Select); coding-DNA position 1028, T replaced by A.
Protein change: p.Phe343Tyr; replaces phenylalanine 343 with tyrosine.
Molecular consequence: missense variant. On other transcripts: non-coding transcript variant (17), intron variant (1).
Genome position (GRCh38, 1-based): chr7:128,997,519, A>T on the plus strand (T>A on the coding strand, the complement: TNPO3 is on the minus strand). VCF-style: chr7-128997519-A-T. GRCh37 (hg19) VCF-style: chr7-128637573-A-T.
Other names: c.1028T>A, p.Phe343Tyr (NM_001191028.3, NM_001382216.1, NM_001382218.1 and 3 more transcripts); c.1109T>A, p.Phe370Tyr (NM_001382217.1); c.884T>A, p.Phe295Tyr (NM_001382221.1); c.1011+2910T>A (NM_001382222.1); short protein forms F295Y, F370Y, F343Y.
Identifiers: ClinVar variation 3971654 (VCV003971654.2).

ClinVar aggregate classification (germline): Uncertain significance. Review status: criteria provided, multiple submitters, no conflicts (2 of 4 stars). 2 submissions from 2 submitters: Uncertain significance (2). Last evaluated 2026-01-07.

Conditions:
Autosomal dominant limb-girdle muscular dystrophy type 1F (LGMDD2). Also called: Limb-girdle muscular dystrophy, type 1F; MUSCULAR DYSTROPHY, LIMB-GIRDLE, AUTOSOMAL DOMINANT 2. Identifiers: Orphanet 55595, MedGen C1842062, MONDO:0012034, OMIM 608423.
Inborn genetic diseases. Identifiers: MedGen C0950123, MeSH D030342.

Submissions (2):

Labcorp Genetics (formerly Invitae), Labcorp
Classification: Uncertain significance for Autosomal dominant limb-girdle muscular dystrophy type 1F. Last evaluated: 2026-01-07. Review status: criteria provided, single submitter. Criteria: Invitae Variant Classification Sherloc (09022015). Collection method: clinical testing. Allele origin: germline.
Comment: This sequence change replaces phenylalanine, which is neutral and non-polar, with tyrosine, which is neutral and polar, at codon 343 of the TNPO3 protein (p.Phe343Tyr). This variant is not present in population databases (gnomAD no frequency). This variant has not been reported in the literature in individuals affected with TNPO3-related conditions. ClinVar contains an entry for this variant (Variation ID: 3971654). Invitae Evidence Modeling of protein sequence and biophysical properties (such as structural, functional, and spatial information, amino acid conservation, physicochemical variation, residue mobility, and thermodynamic stability) has been performed for this missense variant. However, the output from this modeling did not meet the statistical confidence thresholds required to predict the impact of this variant on TNPO3 protein function. In summary, the available evidence is currently insufficient to determine the role of this variant in disease. Therefore, it has been classified as a Variant of Uncertain Significance.

Ambry Genetics
Classification: Uncertain significance for Inborn genetic diseases. Last evaluated: 2025-03-18. Review status: criteria provided, single submitter. Criteria: Ambry Variant Classification Scheme 2023. Collection method: clinical testing. Allele origin: germline.